The following is an entry in ClinVar:

ClinVar aggregate classification (germline): Uncertain significance (1 of 4 stars; one submission).

Submission:

Labcorp Genetics (formerly Invitae), Labcorp
Classification: Uncertain significance. Last evaluated: 2022-07-09. Review status: criteria provided, single submitter. Criteria: Invitae Variant Classification Sherloc (09022015). Collection method: clinical testing. Allele origin: germline.
Comment: In summary, the available evidence is currently insufficient to determine the role of this variant in disease. Therefore, it has been classified as a Variant of Uncertain Significance. Algorithms developed to predict the effect of missense changes on protein structure and function output the following: SIFT: "Tolerated"; PolyPhen-2: "Not Available"; Align-GVGD: "Class C0". The valine amino acid residue is found in multiple mammalian species, which suggests that this missense change does not adversely affect protein function. This variant has not been reported in the literature in individuals affected with PCDH15-related conditions. This variant is not present in population databases (gnomAD no frequency). This sequence change replaces alanine, which is neutral and non-polar, with valine, which is neutral and non-polar, at codon 1766 of the PCDH15 protein (p.Ala1766Val).

NM_033056.4(PCDH15):c.5297C>T (p.Ala1766Val)

Gene: PCDH15 (protocadherin related 15; minus strand). Cytogenetic location: 10q21.1.
Variant type: single nucleotide variant.
Coding change: c.5297C>T on transcript NM_033056.4 (MANE Plus Clinical); coding-DNA position 5297, C replaced by T.
Protein change: p.Ala1766Val; replaces alanine 1766 with valine.
Molecular consequence: missense variant. On other transcripts: intron variant (8).
Genome position (GRCh38, 1-based): chr10:53,822,429, G>A on the plus strand (C>T on the coding strand, the complement: PCDH15 is on the minus strand). VCF-style: chr10-53822429-G-A. GRCh37 (hg19) VCF-style: chr10-55582189-G-A.
Other names: c.5318C>T, p.Ala1773Val (NM_001142763.2); c.5303C>T, p.Ala1768Val (NM_001142764.2); c.5090C>T, p.Ala1697Val (NM_001142765.2); c.5288C>T, p.Ala1763Val (NM_001142766.2); c.5177C>T, p.Ala1726Val (NM_001142767.2); c.5237C>T, p.Ala1746Val (NM_001142768.2); c.5228C>T, p.Ala1743Val (NM_001142773.2); c.5231C>T, p.Ala1744Val (NM_001354404.2); and 7 more; short protein forms A1726V, A1743V, A1768V, A1773V, A1746V, A1763V, A1766V, A1697V.
Identifiers: ClinVar variation 1924327 (VCV001924327.3), dbSNP rs2492365711, ClinGen allele CA376525215.
Genomic context (GRCh38, chr10:53,822,429, plus strand): 5'-ATAGAAGGAGGAGAGGGAGGAGGACAAAAAAGAGAAAAAGGAGAAATGTCAGGAGGAGGA[G>A]CAAGAGGAGCAGGAGCAGGAGGAGGAGAAGGAGGAGAAATAGGAGGAGGAGGGGGAAGGG-3'
Protein context (NP_149045.3, residues 1756-1776): PSPPPAPAPL[Ala1766Val]PPPDISPFSL